The following is an entry in ClinVar:

NM_003846.3(PEX11B):c.8C>T (p.Ala3Val)

Gene: PEX11B (peroxisomal biogenesis factor 11 beta; minus strand). Cytogenetic location: 1q21.1.
Variant type: single nucleotide variant.
Coding change: c.8C>T on transcript NM_003846.3 (MANE Select); coding-DNA position 8, C replaced by T.
Protein change: p.Ala3Val; replaces alanine 3 with valine.
Molecular consequence: missense variant. On other transcripts: non-coding transcript variant (2).
Genome position (GRCh38, 1-based): chr1:145,918,681, G>A on the plus strand (C>T on the coding strand, the complement: PEX11B is on the minus strand). VCF-style: chr1-145918681-G-A. GRCh37 (hg19) VCF-style: chr1-145516408-C-T.
Other names: short protein forms A3V.
Identifiers: ClinVar variation 597444 (VCV000597444.11), dbSNP rs782021198, ClinGen allele CA342125373.

ClinVar aggregate classification (germline): Uncertain significance. Review status: criteria provided, multiple submitters, no conflicts (2 of 4 stars). 2 submissions from 2 submitters: Uncertain significance (2). Last evaluated 2023-07-07.

Allele frequency attached by ClinVar (database versions not stated): TOPMed 0.00002.

Submissions (2):

Labcorp Genetics (formerly Invitae), Labcorp
Classification: Uncertain significance. Last evaluated: 2023-07-07. Review status: criteria provided, single submitter. Criteria: Invitae Variant Classification Sherloc (09022015). Collection method: clinical testing. Allele origin: germline.
Comment: In summary, the available evidence is currently insufficient to determine the role of this variant in disease. Therefore, it has been classified as a Variant of Uncertain Significance. An algorithm developed to predict the effect of missense changes on protein structure and function (PolyPhen-2) suggests that this variant¬†is likely to be tolerated. ClinVar contains an entry for this variant (Variation ID: 597444). This variant has not been reported in the literature in individuals affected with PEX11B-related conditions. The frequency data for this variant in the population databases is considered unreliable, as metrics indicate poor data quality at this position in the gnomAD database. This sequence change replaces alanine, which is neutral and non-polar, with valine, which is neutral and non-polar, at codon 3 of the PEX11B protein (p.Ala3Val).

Eurofins Ntd Llc (ga)
Classification: Uncertain significance. Last evaluated: 2018-06-01. Review status: criteria provided, single submitter. Criteria: EGL ClinVar v180209 classification definitions. Collection method: clinical testing. Allele origin: germline. Observed: 1 variant allele, 1 heterozygote.